The following is an entry in ClinVar:

ClinVar aggregate classification (germline): Uncertain significance (1 of 4 stars; one submission).

Conditions:
Short-rib thoracic dysplasia 10 with or without polydactyly (SRTD10). Identifiers: Orphanet 474, MedGen C3810175, MONDO:0014284, OMIM 615630.
Retinitis pigmentosa 71 (RP71). Identifiers: Orphanet 791, MedGen C4225342, MONDO:0014618, OMIM 616394.

Allele frequency attached by ClinVar (database versions not stated): gnomAD exomes below 0.00001.
gnomAD v4.1: 1 of 1,614,124 alleles (0.000062%); highest among the groups gnomAD compares: Non-Finnish European, 0.000085%; no homozygotes.

Submission:

Labcorp Genetics (formerly Invitae), Labcorp
Classification: Uncertain significance for Retinitis pigmentosa 71; Short-rib thoracic dysplasia 10 with or without polydactyly. Last evaluated: 2023-11-10. Review status: criteria provided, single submitter. Criteria: Invitae Variant Classification Sherloc (09022015). Collection method: clinical testing. Allele origin: germline.
Comment: This sequence change replaces serine, which is neutral and polar, with glycine, which is neutral and non-polar, at codon 388 of the IFT172 protein (p.Ser388Gly). This variant is not present in population databases (gnomAD no frequency). This variant has not been reported in the literature in individuals affected with IFT172-related conditions. ClinVar contains an entry for this variant (Variation ID: 941265). Advanced modeling of protein sequence and biophysical properties (such as structural, functional, and spatial information, amino acid conservation, physicochemical variation, residue mobility, and thermodynamic stability) performed at Invitae indicates that this missense variant is expected to disrupt IFT172 protein function with a positive predictive value of 80%. In summary, the available evidence is currently insufficient to determine the role of this variant in disease. Therefore, it has been classified as a Variant of Uncertain Significance.

NM_015662.3(IFT172):c.1162A>G (p.Ser388Gly)

Gene: IFT172 (intraflagellar transport 172; minus strand). Cytogenetic location: 2p23.3.
Variant type: single nucleotide variant.
Coding change: c.1162A>G on transcript NM_015662.3 (MANE Select); coding-DNA position 1162, A replaced by G.
Protein change: p.Ser388Gly; replaces serine 388 with glycine.
Molecular consequence: missense variant.
Genome position (GRCh38, 1-based): chr2:27,478,000, T>C on the plus strand (A>G on the coding strand, the complement: IFT172 is on the minus strand). VCF-style: chr2-27478000-T-C. GRCh37 (hg19) VCF-style: chr2-27700867-T-C.
Other names: short protein forms S388G.
Identifiers: ClinVar variation 941265 (VCV000941265.9), dbSNP rs1668091082, ClinGen allele CA346394817.